The following is an entry in ClinVar:

NM_020822.3(KCNT1):c.3096C>T (p.Ser1032=)

Gene: KCNT1 (potassium sodium-activated channel subfamily T member 1; plus strand). Cytogenetic location: 9q34.3.
Variant type: single nucleotide variant.
Coding change: c.3096C>T on transcript NM_020822.3 (MANE Select); coding-DNA position 3096, C replaced by T.
Protein change: p.Ser1032=; no amino-acid change (serine 1032 retained).
Molecular consequence: synonymous variant.
Genome position (GRCh38, 1-based): chr9:135,784,829, C>T. VCF-style: chr9-135784829-C-T. GRCh37 (hg19) VCF-style: chr9-138676675-C-T.
Other names: c.2961C>T, p.Ser987= (NM_001272003.2).
Identifiers: ClinVar variation 497985 (VCV000497985.21), dbSNP rs1360446142, ClinGen allele CA467820997.

ClinVar aggregate classification (germline): Conflicting classifications of pathogenicity. Review status: criteria provided, conflicting classifications (1 of 4 stars). 3 submissions from 3 submitters: Uncertain significance (1); Likely benign (2). Last evaluated 2025-11-01.

Conditions:
Developmental and epileptic encephalopathy, 14 (DEE14). Also called: Early infantile epileptic encephalopathy 14. Identifiers: Orphanet 293181, MedGen C3554195, MONDO:0013989, OMIM 614959.
Autosomal dominant nocturnal frontal lobe epilepsy 5. Also called: CILIARY DYSKINESIA, PRIMARY, 28, WITHOUT SITUS INVERSUS; CILIARY DYSKINESIA, PRIMARY, 28, WITH SITUS INVERSUS; KCNT1-Related Epilepsy; Epilepsy, nocturnal frontal lobe, 5. Identifiers: Orphanet 98784, MedGen C3554306, MONDO:0014002, OMIM 615005.

Allele frequency attached by ClinVar (database versions not stated): gnomAD 0.00001 and 0.00002; TOPMed 0.00002.
gnomAD v4.1: 7 of 1,612,856 alleles (0.00043%); highest among the groups gnomAD compares: Middle Eastern, 0.016%; no homozygotes.

Submissions (3):

CeGaT Center for Human Genetics Tuebingen
Classification: Likely benign. Last evaluated: 2025-11-01. Review status: criteria provided, single submitter. Criteria: CeGaT Center For Human Genetics Tuebingen Variant Classification Criteria Version 2. Collection method: clinical testing. Allele origin: germline. Affected: yes. Observed: 1 variant allele.
Comment: KCNT1: BP4, BS2

Labcorp Genetics (formerly Invitae), Labcorp
Classification: Likely benign for Autosomal dominant nocturnal frontal lobe epilepsy 5; Developmental and epileptic encephalopathy, 14. Last evaluated: 2025-10-13. Review status: criteria provided, single submitter. Criteria: Invitae Variant Classification Sherloc (09022015). Collection method: clinical testing. Allele origin: germline.

Eurofins Ntd Llc (ga)
Classification: Uncertain significance. Last evaluated: 2016-11-03. Review status: criteria provided, single submitter. Criteria: EGL Classification Definitions 2015. Collection method: clinical testing. Allele origin: germline. Observed: 1 variant allele, 1 heterozygote.